The following is an entry in ClinVar:

NM_003119.4(SPG7):c.1894G>A (p.Gly632Arg)

Gene: SPG7 (SPG7 matrix AAA peptidase subunit, paraplegin; plus strand). Cytogenetic location: 16q24.3.
Variant type: single nucleotide variant.
Coding change: c.1894G>A on transcript NM_003119.4 (MANE Select); coding-DNA position 1894, G replaced by A.
Protein change: p.Gly632Arg; replaces glycine 632 with arginine.
Molecular consequence: missense variant.
Genome position (GRCh38, 1-based): chr16:89,553,093, G>A. VCF-style: chr16-89553093-G-A. GRCh37 (hg19) VCF-style: chr16-89619501-G-A.
Other names: c.1894G>A (NM_003119.2); c.1894G>A, p.Gly632Arg (NM_001363850.1); short protein forms G632R.
Identifiers: ClinVar variation 932346 (VCV000932346.48), dbSNP rs368541637, ClinGen allele CA8244443.

ClinVar aggregate classification (germline): Conflicting classifications of pathogenicity. Review status: criteria provided, conflicting classifications (1 of 4 stars). 7 submissions from 7 submitters: Pathogenic (1); Likely pathogenic (2); Uncertain significance (1). 3 of the submissions do not count toward it. Last evaluated 2025-01-27.

Conditions:
Hereditary spastic paraplegia. Also called: Familial spastic paraparesis. Identifiers: Orphanet 685, MedGen C0037773, MONDO:0019064. Disease mechanism: loss of function.
Hereditary spastic paraplegia 7 (SPG7). Also called: SPG7-related neurologic disorder; SPASTIC PARAPLEGIA 7, AUTOSOMAL RECESSIVE, WITH OR WITHOUT CEREBELLAR ATAXIA; Spastic paraplegia 7; Hereditary spastic paraplegia Paraplegin type; Autosomal recessive spastic paraplegia type 7. Identifiers: Orphanet 99013, MedGen C1846564, MONDO:0011803, OMIM 607259.

Allele frequency attached by ClinVar (database versions not stated): gnomAD exomes below 0.00001; ExAC 0.00001; ESP Exome Variant Server 0.00008.
gnomAD v4.1: 5 of 1,613,348 alleles (0.00031%); highest among the groups gnomAD compares: Non-Finnish European, 0.00042%; no homozygotes.

Submissions (7):

Labcorp Genetics (formerly Invitae), Labcorp
Classification: Pathogenic for Hereditary spastic paraplegia 7. Last evaluated: 2025-01-27. Review status: criteria provided, single submitter. Criteria: Invitae Variant Classification Sherloc (09022015). Collection method: clinical testing. Allele origin: germline.
Comment: This sequence change replaces glycine, which is neutral and non-polar, with arginine, which is basic and polar, at codon 632 of the SPG7 protein (p.Gly632Arg). This variant is present in population databases (rs368541637, gnomAD 0.0009%). This missense change has been observed in individual(s) with hereditary spastic paraplegia (PMID: 22964162, 29482223; internal data). In at least one individual the data is consistent with being in trans (on the opposite chromosome) from a pathogenic variant. ClinVar contains an entry for this variant (Variation ID: 932346). Invitae Evidence Modeling of protein sequence and biophysical properties (such as structural, functional, and spatial information, amino acid conservation, physicochemical variation, residue mobility, and thermodynamic stability) indicates that this missense variant is expected to disrupt SPG7 protein function with a positive predictive value of 80%. For these reasons, this variant has been classified as Pathogenic.

PROSPAX: an integrated multimodal progression  chart in spastic ataxias, Center for Neurology; Hertie-Institute for Clinical Brain Research
Classification: Likely pathogenic for Hereditary spastic paraplegia 7. Last evaluated: 2022-01-01. Review status: criteria provided, single submitter. Criteria: ACMG Guidelines, 2015. Collection method: research. Allele origin: germline. Affected: yes.
Comment: Variant seen in compound het: [c.1529C>T;c.1894G>A]

CeGaT Center for Human Genetics Tuebingen
Classification: Likely pathogenic. Last evaluated: 2020-06-01. Review status: criteria provided, single submitter. Criteria: CeGaT Center For Human Genetics Tuebingen Variant Classification Criteria Version 2. Collection method: clinical testing. Allele origin: germline. Affected: yes. Observed: 1 variant allele.

Genome Diagnostics Laboratory, The Hospital for Sick Children
Classification: Uncertain significance for Hereditary spastic paraplegia. Last evaluated: 2016-12-12. Review status: criteria provided, single submitter. Criteria: ACMG Guidelines, 2015. Collection method: clinical testing. Allele origin: germline. Affected: yes.

Clinical Genetics DNA and cytogenetics Diagnostics Lab, Erasmus MC, Erasmus Medical Center
Classification: Uncertain significance. Review status: no assertion criteria provided. Collection method: clinical testing. Allele origin: germline. Affected: yes. Study: VKGL Data-share Consensus. Not counted in ClinVar's aggregate classification.

Genomics England Pilot Project, Genomics England
Classification: Pathogenic for Hereditary spastic paraplegia 7. Review status: no assertion criteria provided. Criteria: ACGS Guidelines, 2016. Collection method: clinical testing. Allele origin: germline. Affected: yes. Not counted in ClinVar's aggregate classification.

Joint Genome Diagnostic Labs from Nijmegen and Maastricht, Radboudumc and MUMC+
Classification: Uncertain significance. Review status: no assertion criteria provided. Collection method: clinical testing. Allele origin: germline. Affected: yes. Study: VKGL Data-share Consensus. Not counted in ClinVar's aggregate classification.

Literature cited by the submitters: PubMed 22964162 (cited by Labcorp Genetics (formerly Invitae), Labcorp); PubMed 29482223 (cited by Labcorp Genetics (formerly Invitae), Labcorp).